The following is an entry in ClinVar:

NM_014244.5(ADAMTS2):c.74_75delinsTGTCTCTTATACACAT (p.Pro25fs)

Gene: ADAMTS2 (ADAM metallopeptidase with thrombospondin type 1 motif 2; minus strand). Cytogenetic location: 5q35.3.
Variant type: Indel.
Coding change: c.74_75delinsTGTCTCTTATACACAT on transcript NM_014244.5 (MANE Select); coding-DNA positions 74 to 75, CG replaced by TGTCTCTTATACACAT.
Protein change: p.Pro25fs; shifts the reading frame from proline 25.
Molecular consequence: frameshift variant.
Genome position (GRCh38, 1-based): chr5:179,345,254-179,345,255, CG replaced by ATGTGTATAAGAGACA on the plus strand (CG replaced by TGTCTCTTATACACAT on the coding strand, the reverse complement: ADAMTS2 is on the minus strand). VCF-style: chr5-179345254-CG-ATGTGTATAAGAGACA. GRCh37 (hg19) VCF-style: chr5-178772255-CG-ATGTGTATAAGAGACA.
Other names: c.74_75delinsTGTCTCTTATACACAT, p.Pro25fs (NM_021599.4); short protein forms P25fs.
Identifiers: ClinVar variation 5016347 (VCV005016347.1).

ClinVar aggregate classification (germline): Pathogenic (1 of 4 stars; one submission).

Conditions:
Ehlers-Danlos syndrome, dermatosparaxis type. Also called: EDS VIIC; Dermatosparaxis; Ehlers-Danlos syndrome, type VII, autosomal recessive. Identifiers: Orphanet 1901, MedGen C2700425, MONDO:0009161, OMIM 225410.

Submission:

Myriad Genetics, Inc.
Classification: Pathogenic for Ehlers-Danlos syndrome, dermatosparaxis type. Last evaluated: 2024-05-14. Review status: criteria provided, single submitter. Criteria: Myriad Autosomal Dominant, Autosomal Recessive and X-Linked Classification Criteria (2023). Collection method: clinical testing. Allele origin: unknown.
Comment: NM_014244.4(ADAMTS2):c.74_75del2ins16(P25Lfs*145) is expected to be pathogenic in the context of Ehlers-Danlos syndrome, ADAMTS2-related. This variant is predicted to lead to an abnormal or absent protein product due to the creation of a premature termination codon in ADAMTS2, a gene where loss-of-function variants are known to be pathogenic. Please note: this variant was assessed in the context of healthy population screening.